The following is an entry in ClinVar:

NM_001037.5(SCN1B):c.209T>C (p.Ile70Thr)

Gene: SCN1B (sodium voltage-gated channel beta subunit 1; plus strand). Cytogenetic location: 19q13.11.
Variant type: single nucleotide variant.
Coding change: c.209T>C on transcript NM_001037.5 (MANE Select); coding-DNA position 209, T replaced by C.
Protein change: p.Ile70Thr; replaces isoleucine 70 with threonine.
Molecular consequence: missense variant.
Genome position (GRCh38, 1-based): chr19:35,033,500, T>C. VCF-style: chr19-35033500-T-C. GRCh37 (hg19) VCF-style: chr19-35524404-T-C.
Other names: c.110T>C, p.Ile37Thr (NM_001321605.2); c.209T>C, p.Ile70Thr (NM_199037.5); short protein forms I37T, I70T.
Identifiers: ClinVar variation 1023388 (VCV001023388.8), dbSNP rs2064227259, ClinGen allele CA405328459.

ClinVar aggregate classification (germline): Uncertain significance (1 of 4 stars; one submission).

Conditions:
Brugada syndrome 5 (BRGDA5). Identifiers: Orphanet 130, Orphanet 871, MedGen C2748541, MONDO:0013015, OMIM 612838.

Submission:

Labcorp Genetics (formerly Invitae), Labcorp
Classification: Uncertain significance for Brugada syndrome 5. Last evaluated: 2020-10-08. Review status: criteria provided, single submitter. Criteria: Invitae Variant Classification Sherloc (09022015). Collection method: clinical testing. Allele origin: germline.
Comment: This sequence change replaces isoleucine with threonine at codon 70 of the SCN1B protein (p.Ile70Thr). The isoleucine residue is highly conserved and there is a moderate physicochemical difference between isoleucine and threonine. In summary, the available evidence is currently insufficient to determine the role of this variant in disease. Therefore, it has been classified as a Variant of Uncertain Significance. Algorithms developed to predict the effect of missense changes on protein structure and function are either unavailable or do not agree on the potential impact of this missense change (SIFT: "Deleterious"; PolyPhen-2: "Benign"; Align-GVGD: "Class C65"). This variant has not been reported in the literature in individuals with SCN1B-related conditions. This variant is not present in population databases (ExAC no frequency).